The following is an entry in ClinVar:

ClinVar aggregate classification (germline): Uncertain significance (1 of 4 stars; one submission).

Conditions:
Chromosome 2q32-q33 deletion syndrome (GLASS). Also called: 2q33.1 deletion syndrome; Glass syndrome. Identifiers: Orphanet 251019, MedGen C2676739, MONDO:0012864, OMIM 612313.

Allele frequency attached by ClinVar (database versions not stated): TOPMed 0.00001.

Submission:

Labcorp Genetics (formerly Invitae), Labcorp
Classification: Uncertain significance for Chromosome 2q32-q33 deletion syndrome. Last evaluated: 2021-04-16. Review status: criteria provided, single submitter. Criteria: Invitae Variant Classification Sherloc (09022015). Collection method: clinical testing. Allele origin: germline.
Comment: Advanced modeling of protein sequence and biophysical properties (such as structural, functional, and spatial information, amino acid conservation, physicochemical variation, residue mobility, and thermodynamic stability) performed at Invitae indicates that this missense variant is not expected to disrupt SATB2 protein function. In summary, the available evidence is currently insufficient to determine the role of this variant in disease. Therefore, it has been classified as a Variant of Uncertain Significance. This variant has not been reported in the literature in individuals with SATB2-related conditions. This variant is not present in population databases (ExAC no frequency). This sequence change replaces serine with threonine at codon 466 of the SATB2 protein (p.Ser466Thr). The serine residue is moderately conserved and there is a small physicochemical difference between serine and threonine.

NM_001172509.2(SATB2):c.1396T>A (p.Ser466Thr)

Gene: SATB2 (SATB homeobox 2; minus strand). Cytogenetic location: 2q33.1.
Variant type: single nucleotide variant.
Coding change: c.1396T>A on transcript NM_001172509.2 (MANE Select); coding-DNA position 1396, T replaced by A.
Protein change: p.Ser466Thr; replaces serine 466 with threonine.
Molecular consequence: missense variant.
Genome position (GRCh38, 1-based): chr2:199,323,949, A>T on the plus strand (T>A on the coding strand, the complement: SATB2 is on the minus strand). VCF-style: chr2-199323949-A-T. GRCh37 (hg19) VCF-style: chr2-200188672-A-T.
Other names: c.1396T>A, p.Ser466Thr (NM_001172517.1, NM_015265.4); short protein forms S466T.
Identifiers: ClinVar variation 1391812 (VCV001391812.8), dbSNP rs1402503767, ClinGen allele CA350385392.